The following is an entry in ClinVar:

ClinVar aggregate classification (germline): Uncertain significance. Review status: criteria provided, multiple submitters, no conflicts (2 of 4 stars). 5 submissions from 5 submitters: Uncertain significance (5). Last evaluated 2025-04-24.

Conditions:
Cardiovascular phenotype. Identifiers: MedGen CN230736.
Arrhythmogenic right ventricular dysplasia 8 (ARVD8). Also called: ARRHYTHMOGENIC RIGHT VENTRICULAR DYSPLASIA, FAMILIAL, 8; ARRHYTHMOGENIC RIGHT VENTRICULAR CARDIOMYOPATHY 8; Arrhythmogenic Right Ventricular Dysplasia/Cardiomyopathy 8. Identifiers: MedGen C1843896, MONDO:0011831, OMIM 607450.
Arrhythmogenic cardiomyopathy with wooly hair and keratoderma. Also called: Arrhythmogenic cardiomyopathy with woolly hair and keratoderma; Carvajal syndrome; Dilated cardiomyopathy with woolly hair and keratoderma; PALMOPLANTAR KERATODERMA WITH LEFT VENTRICULAR CARDIOMYOPATHY AND WOOLLY HAIR. Identifiers: Orphanet 65282, MedGen C1854063, MONDO:0011581, OMIM 605676.

gnomAD v4.1: 5 of 1,614,200 alleles (0.00031%); highest among the groups gnomAD compares: Non-Finnish European, 0.00042%; no homozygotes.

Submissions (5):

Ambry Genetics
Classification: Uncertain significance for Cardiovascular phenotype. Last evaluated: 2025-04-24. Review status: criteria provided, single submitter. Criteria: Ambry Variant Classification Scheme 2023. Collection method: clinical testing. Allele origin: germline.
Comment: The p.E1730K variant (also known as c.5188G>A), located in coding exon 23 of the DSP gene, results from a G to A substitution at nucleotide position 5188. The glutamic acid at codon 1730 is replaced by lysine, an amino acid with similar properties. This amino acid position is conserved. In addition, the in silico prediction for this alteration is inconclusive. Based on the available evidence, the clinical significance of this variant remains unclear.

Labcorp Genetics (formerly Invitae), Labcorp
Classification: Uncertain significance for Arrhythmogenic cardiomyopathy with wooly hair and keratoderma; Arrhythmogenic right ventricular dysplasia 8. Last evaluated: 2024-10-30. Review status: criteria provided, single submitter. Criteria: Invitae Variant Classification Sherloc (09022015). Collection method: clinical testing. Allele origin: germline.
Comment: This sequence change replaces glutamic acid, which is acidic and polar, with lysine, which is basic and polar, at codon 1730 of the DSP protein (p.Glu1730Lys). This variant is not present in population databases (gnomAD no frequency). This variant has not been reported in the literature in individuals affected with DSP-related conditions. ClinVar contains an entry for this variant (Variation ID: 195755). An algorithm developed to predict the effect of missense changes on protein structure and function (PolyPhen-2) suggests that this variant is likely to be tolerated. In summary, the available evidence is currently insufficient to determine the role of this variant in disease. Therefore, it has been classified as a Variant of Uncertain Significance.

All of Us Research Program, National Institutes of Health
Classification: Uncertain significance for Arrhythmogenic cardiomyopathy with wooly hair and keratoderma. Last evaluated: 2024-03-05. Review status: criteria provided, single submitter. Criteria: ACMG Guidelines, 2015. Collection method: clinical testing. Allele origin: germline. Inheritance: Autosomal dominant inheritance. Observed: 1 variant allele, 1 heterozygote.
Comment: This study involves interpretation of variants in research participants for the purpose of population health screening. Participant phenotype was not available at the time of variant classification. Additional details can be found in publication PMID: 35346344, PMCID: PMC8962531

GeneDx
Classification: Uncertain significance. Last evaluated: 2023-10-31. Review status: criteria provided, single submitter. Criteria: GeneDx Variant Classification Process June 2021. Collection method: clinical testing. Allele origin: germline. Affected: yes.
Comment: Has not been previously published as pathogenic or benign to our knowledge; Not observed at significant frequency in large population cohorts (gnomAD); In silico analysis supports that this missense variant does not alter protein structure/function

Eurofins Ntd Llc (ga)
Classification: Uncertain significance. Last evaluated: 2015-03-05. Review status: criteria provided, single submitter. Criteria: EGL Classification Definitions 2015. Collection method: clinical testing. Allele origin: germline. Observed: 1 variant allele, 1 homozygote.

NM_004415.4(DSP):c.5188G>A (p.Glu1730Lys)

Gene: DSP (desmoplakin; plus strand). Cytogenetic location: 6p24.3.
Variant type: single nucleotide variant.
Coding change: c.5188G>A on transcript NM_004415.4 (MANE Select); coding-DNA position 5188, G replaced by A.
Protein change: p.Glu1730Lys; replaces glutamic acid 1730 with lysine.
Molecular consequence: missense variant. On other transcripts: intron variant (2).
Genome position (GRCh38, 1-based): chr6:7,581,378, G>A. VCF-style: chr6-7581378-G-A. GRCh37 (hg19) VCF-style: chr6-7581611-G-A.
Other names: c.5188G>A (NM_004415.2); c.4050+1138G>A (NM_001319034.2); c.3583-1264G>A (NM_001008844.3); short protein forms E1730K.
Identifiers: ClinVar variation 195755 (VCV000195755.15), dbSNP rs794727382, ClinGen allele CA004614.